The following is an entry in ClinVar:

NM_002291.3(LAMB1):c.5064+198T>C

Gene: LAMB1 (laminin subunit beta 1; minus strand). Cytogenetic location: 7q31.1.
Variant type: single nucleotide variant.
Coding change: c.5064+198T>C on transcript NM_002291.3 (MANE Select); 198 bases into the intron after coding-DNA position 5064, T replaced by C.
Molecular consequence: intron variant.
Genome position (GRCh38, 1-based): chr7:107,925,985, A>G on the plus strand (T>C on the coding strand, the complement: LAMB1 is on the minus strand). VCF-style: chr7-107925985-A-G. GRCh37 (hg19) VCF-style: chr7-107566430-A-G.
Identifiers: ClinVar variation 682982 (VCV000682982.1), dbSNP rs7806946, ClinGen allele CA12663918.
Genomic context (GRCh38, chr7:107,925,985, plus strand): 5'-GACTTCTACCCCTAAGTTAATTCCGTTCTTCTAAACTCTTGTCCAAATTTGGATTTGAGG[A>G]CATAGGTCATACTTATTAGATATTTCCATATTCTTTCCCATCCACACTTCTAAAGACGGC-3'

ClinVar aggregate classification (germline): Benign (1 of 4 stars; one submission).

Allele frequency attached by ClinVar (database versions not stated): gnomAD 0.66120 and 0.66233; TOPMed 0.66859; 1000 Genomes Project 0.72304; 1000 Genomes Project 30x 0.72392.
gnomAD v4.1: 100,201 of 151,542 alleles (66%); highest among the groups gnomAD compares: East Asian, 85%; 33,931 homozygotes.

Submission:

GeneDx
Classification: Benign. Last evaluated: 2018-06-19. Review status: criteria provided, single submitter. Criteria: GeneDx Variant Classification (06012015). Collection method: clinical testing. Allele origin: germline. Affected: yes.
Comment: This variant is considered likely benign or benign based on one or more of the following criteria: it is a conservative change, it occurs at a poorly conserved position in the protein, it is predicted to be benign by multiple in silico algorithms, and/or has population frequency not consistent with disease.